The following is an entry in ClinVar:

ClinVar aggregate classification (germline): Uncertain significance (1 of 4 stars; one submission).

gnomAD v4.1: 17 of 1,613,902 alleles (0.0011%); highest among the groups gnomAD compares: Non-Finnish European, 0.0014%; no homozygotes.

Submission:

Labcorp Genetics (formerly Invitae), Labcorp
Classification: Uncertain significance. Last evaluated: 2022-03-10. Review status: criteria provided, single submitter. Criteria: Invitae Variant Classification Sherloc (09022015). Collection method: clinical testing. Allele origin: germline.
Comment: This variant is present in population databases (rs765131883, gnomAD 0.0009%). This sequence change replaces arginine, which is basic and polar, with leucine, which is neutral and non-polar, at codon 66 of the NRL protein (p.Arg66Leu). This variant has not been reported in the literature in individuals affected with NRL-related conditions. Algorithms developed to predict the effect of missense changes on protein structure and function (SIFT, PolyPhen-2, Align-GVGD) all suggest that this variant is likely to be tolerated. In summary, the available evidence is currently insufficient to determine the role of this variant in disease. Therefore, it has been classified as a Variant of Uncertain Significance.

NM_001354768.3(NRL):c.197G>T (p.Arg66Leu)

Gene: NRL (neural retina leucine zipper; minus strand). Cytogenetic location: 14q11.2.
Variant type: single nucleotide variant.
Coding change: c.197G>T on transcript NM_001354768.3 (MANE Select); coding-DNA position 197, G replaced by T.
Protein change: p.Arg66Leu; replaces arginine 66 with leucine.
Molecular consequence: missense variant. On other transcripts: intron variant (1).
Genome position (GRCh38, 1-based): chr14:24,082,652, C>A on the plus strand (G>T on the coding strand, the complement: NRL is on the minus strand). VCF-style: chr14-24082652-C-A. GRCh37 (hg19) VCF-style: chr14-24551861-C-A.
Other names: c.197G>T, p.Arg66Leu (NM_001354769.1, NM_006177.5); c.66+131G>T (NM_001354770.2); short protein forms R66L.
Identifiers: ClinVar variation 1426949 (VCV001426949.6), dbSNP rs765131883, ClinGen allele CA7122909.